The following is an entry in ClinVar:

NM_001204375.2(NPR3):c.1418G>A (p.Cys473Tyr)

Gene: NPR3 (natriuretic peptide receptor 3; plus strand). Cytogenetic location: 5p13.3.
Variant type: single nucleotide variant.
Coding change: c.1418G>A on transcript NM_001204375.2 (MANE Select); coding-DNA position 1418, G replaced by A.
Protein change: p.Cys473Tyr; replaces cysteine 473 with tyrosine.
Molecular consequence: missense variant.
Genome position (GRCh38, 1-based): chr5:32,783,020, G>A. VCF-style: chr5-32783020-G-A. GRCh37 (hg19) VCF-style: chr5-32783126-G-A.
Other names: c.1418G>A, p.Cys473Tyr (NM_000908.4); c.770G>A, p.Cys257Tyr (NM_001204376.2, NM_001363652.2); c.698G>A, p.Cys233Tyr (NM_001364458.2); c.647G>A, p.Cys216Tyr (NM_001364460.2); short protein forms C473Y, C216Y, C257Y, C233Y.
Identifiers: ClinVar variation 1403645 (VCV001403645.8), dbSNP rs1250991735, ClinGen allele CA359468738.
Genomic context (GRCh38, chr5:32,783,020, plus strand): 5'-GCCCTTTAAAACTGAGAATAGATGAAAACCGAATTGTAGAGCATACAAACAGCTCTCCCT[G>A]CAAATCATGTAAGTCTGGAGACTTAATTTGCTATGTATGTCATCACCTCTAACCTCAGTG-3'
Protein context (NP_001191304.1, residues 463-483): RIVEHTNSSP[Cys473Tyr]KSSGGLEESA

ClinVar aggregate classification (germline): Uncertain significance (1 of 4 stars; one submission).

Allele frequency attached by ClinVar (database versions not stated): TOPMed below 0.00001; gnomAD 0.00001; gnomAD exomes 0.00003.
gnomAD v4.1: 49 of 1,599,260 alleles (0.0031%); highest among the groups gnomAD compares: Non-Finnish European, 0.0039%; no homozygotes.

Submission:

Labcorp Genetics (formerly Invitae), Labcorp
Classification: Uncertain significance. Last evaluated: 2024-01-22. Review status: criteria provided, single submitter. Criteria: Invitae Variant Classification Sherloc (09022015). Collection method: clinical testing. Allele origin: germline.
Comment: This sequence change replaces cysteine, which is neutral and slightly polar, with tyrosine, which is neutral and polar, at codon 473 of the NPR3 protein (p.Cys473Tyr). This variant is not present in population databases (gnomAD no frequency). This variant has not been reported in the literature in individuals affected with NPR3-related conditions. ClinVar contains an entry for this variant (Variation ID: 1403645). An algorithm developed to predict the effect of missense changes on protein structure and function (PolyPhen-2) suggests that this variant is likely to be disruptive. In summary, the available evidence is currently insufficient to determine the role of this variant in disease. Therefore, it has been classified as a Variant of Uncertain Significance.